The following is an entry in ClinVar:

NM_199420.4(POLQ):c.1081T>C (p.Phe361Leu)

Gene: POLQ (DNA polymerase theta; minus strand). Cytogenetic location: 3q13.33.
Variant type: single nucleotide variant.
Coding change: c.1081T>C on transcript NM_199420.4 (MANE Select); coding-DNA position 1081, T replaced by C.
Protein change: p.Phe361Leu; replaces phenylalanine 361 with leucine.
Molecular consequence: missense variant.
Genome position (GRCh38, 1-based): chr3:121,529,672, A>G on the plus strand (T>C on the coding strand, the complement: POLQ is on the minus strand). VCF-style: chr3-121529672-A-G. GRCh37 (hg19) VCF-style: chr3-121248519-A-G.
Other names: short protein forms F361L.
Identifiers: ClinVar variation 3229808 (VCV003229808.1), dbSNP rs2546816952, ClinGen allele CA354124341.

ClinVar aggregate classification (germline): Uncertain significance (1 of 4 stars; one submission).

Allele frequency attached by ClinVar (database versions not stated): gnomAD exomes below 0.00001.
gnomAD v4.1: 1 of 1,613,428 alleles (0.000062%); highest among the groups gnomAD compares: Non-Finnish European, 0.000085%; no homozygotes.

Submission:

Ambry Genetics
Classification: Uncertain significance. Last evaluated: 2023-12-05. Review status: criteria provided, single submitter. Criteria: Ambry Variant Classification Scheme 2023. Collection method: clinical testing. Allele origin: germline.
Comment: The p.F361L variant (also known as c.1081T>C), located in coding exon 7 of the POLQ gene, results from a T to C substitution at nucleotide position 1081. The phenylalanine at codon 361 is replaced by leucine, an amino acid with highly similar properties. This amino acid position is conserved. In addition, this alteration is predicted to be tolerated by in silico analysis. Since supporting evidence is limited at this time, the clinical significance of this alteration remains unclear.